The following is an entry in ClinVar:

ClinVar aggregate classification (germline): Uncertain significance. Review status: criteria provided, multiple submitters, no conflicts (2 of 4 stars). 3 submissions from 3 submitters: Uncertain significance (3). Last evaluated 2022-06-15.

Conditions:
T-B+ severe combined immunodeficiency due to JAK3 deficiency. Also called: SCID, T CELL-NEGATIVE, B CELL-POSITIVE, NK CELL-NEGATIVE; SCID, autosomal recessive, T-negative/B-positive type. Identifiers: Orphanet 35078, MedGen C1833275, MONDO:0010938, OMIM 600802.

Allele frequency attached by ClinVar (database versions not stated): gnomAD 0.00002; gnomAD exomes 0.00009 and 0.00019; TOPMed 0.00009; ExAC 0.00019.
gnomAD v4.1: 57 of 1,614,128 alleles (0.0035%); highest among the groups gnomAD compares: Admixed American, 0.093%; no homozygotes.

Submissions (3):

Labcorp Genetics (formerly Invitae), Labcorp
Classification: Uncertain significance for T-B+ severe combined immunodeficiency due to JAK3 deficiency. Last evaluated: 2022-06-15. Review status: criteria provided, single submitter. Criteria: Invitae Variant Classification Sherloc (09022015). Collection method: clinical testing. Allele origin: germline.
Comment: This sequence change falls in intron 18 of the JAK3 gene. It does not directly change the encoded amino acid sequence of the JAK3 protein. It affects a nucleotide within the consensus splice site. This variant is present in population databases (rs745806475, gnomAD 0.1%). This variant has not been reported in the literature in individuals affected with JAK3-related conditions. ClinVar contains an entry for this variant (Variation ID: 889683). Variants that disrupt the consensus splice site are a relatively common cause of aberrant splicing (PMID: 17576681, 9536098). Algorithms developed to predict the effect of sequence changes on RNA splicing suggest that this variant is not likely to affect RNA splicing. In summary, the available evidence is currently insufficient to determine the role of this variant in disease. Therefore, it has been classified as a Variant of Uncertain Significance.

Baylor Genetics
Classification: Uncertain significance for T-B+ severe combined immunodeficiency due to JAK3 deficiency. Last evaluated: 2018-11-11. Review status: criteria provided, single submitter. Criteria: ACMG Guidelines, 2015. Collection method: clinical testing. Allele origin: paternal. Affected: yes.
Comment: This variant was determined to be of uncertain significance according to ACMG Guidelines, 2015 [PMID:25741868].

Illumina Laboratory Services, Illumina
Classification: Uncertain significance for T-B+ severe combined immunodeficiency due to JAK3 deficiency. Last evaluated: 2017-04-27. Review status: criteria provided, single submitter. Criteria: ICSL Variant Classification Criteria 13 December 2019. Collection method: clinical testing. Allele origin: germline.

Literature cited by the submitters: PubMed 17576681 (cited by Labcorp Genetics (formerly Invitae), Labcorp); PubMed 9536098 (cited by Labcorp Genetics (formerly Invitae), Labcorp).

NM_000215.4(JAK3):c.2490+4A>C

Gene: JAK3 (Janus kinase 3; minus strand). Cytogenetic location: 19p13.11.
Variant type: single nucleotide variant.
Coding change: c.2490+4A>C on transcript NM_000215.4 (MANE Select); 4 bases into the intron after coding-DNA position 2490, A replaced by C.
Molecular consequence: intron variant.
Genome position (GRCh38, 1-based): chr19:17,832,786, T>G on the plus strand (A>C on the coding strand, the complement: JAK3 is on the minus strand). VCF-style: chr19-17832786-T-G. GRCh37 (hg19) VCF-style: chr19-17943595-T-G.
Identifiers: ClinVar variation 889683 (VCV000889683.6), dbSNP rs745806475, ClinGen allele CA9301594.